The following is an entry in ClinVar:

ClinVar aggregate classification (germline): Uncertain significance (1 of 4 stars; one submission).

Conditions:
Ellis-van Creveld syndrome (EVC). Also called: MESOECTODERMAL DYSPLASIA; Chondroectodermal dysplasia; EVC-Related Ellis-van Creveld Syndrome; EVC2-Related Ellis-van Creveld Syndrome. Identifiers: Orphanet 289, MedGen C0013903, MONDO:0009162, OMIM 225500.
Curry-Hall syndrome (WAD). Also called: WEYERS ACRODENTAL DYSOSTOSIS. Identifiers: Orphanet 952, MedGen C0457013, MONDO:0008673, OMIM 193530.

Allele frequency attached by ClinVar (database versions not stated): gnomAD 0.00001; ExAC 0.00002; gnomAD exomes 0.00002; TOPMed 0.00002.
gnomAD v4.1: 35 of 1,613,992 alleles (0.0022%); highest among the groups gnomAD compares: Non-Finnish European, 0.0026%; no homozygotes.

Submission:

Labcorp Genetics (formerly Invitae), Labcorp
Classification: Uncertain significance for Curry-Hall syndrome; Ellis-van Creveld syndrome. Last evaluated: 2022-02-05. Review status: criteria provided, single submitter. Criteria: Invitae Variant Classification Sherloc (09022015). Collection method: clinical testing. Allele origin: germline.
Comment: This sequence change replaces alanine, which is neutral and non-polar, with valine, which is neutral and non-polar, at codon 792 of the EVC protein (p.Ala792Val). This variant is present in population databases (rs753732049, gnomAD 0.005%). This variant has not been reported in the literature in individuals affected with EVC-related conditions. Algorithms developed to predict the effect of missense changes on protein structure and function output the following: SIFT: "Tolerated"; PolyPhen-2: "Benign"; Align-GVGD: "Class C0". The valine amino acid residue is found in multiple mammalian species, which suggests that this missense change does not adversely affect protein function. Algorithms developed to predict the effect of sequence changes on RNA splicing suggest that this variant may create or strengthen a splice site. In summary, the available evidence is currently insufficient to determine the role of this variant in disease. Therefore, it has been classified as a Variant of Uncertain Significance.

NM_153717.3(EVC):c.2375C>T (p.Ala792Val)

Gene: EVC (EvC ciliary complex subunit 1; plus strand). Cytogenetic location: 4p16.2.
Variant type: single nucleotide variant.
Coding change: c.2375C>T on transcript NM_153717.3 (MANE Select); coding-DNA position 2375, C replaced by T.
Protein change: p.Ala792Val; replaces alanine 792 with valine.
Molecular consequence: missense variant.
Genome position (GRCh38, 1-based): chr4:5,802,020, C>T. VCF-style: chr4-5802020-C-T. GRCh37 (hg19) VCF-style: chr4-5803747-C-T.
Other names: c.2375C>T, p.Ala792Val (NM_001306090.2); short protein forms A792V.
Identifiers: ClinVar variation 1899628 (VCV001899628.2), dbSNP rs753732049, ClinGen allele CA2836480.